The following is an entry in ClinVar:

NM_025114.4(CEP290):c.6230T>C (p.Phe2077Ser)

Gene: CEP290 (centrosomal protein 290; minus strand). Cytogenetic location: 12q21.32.
Variant type: single nucleotide variant.
Coding change: c.6230T>C on transcript NM_025114.4 (MANE Select); coding-DNA position 6230, T replaced by C.
Protein change: p.Phe2077Ser; replaces phenylalanine 2077 with serine.
Molecular consequence: missense variant.
Genome position (GRCh38, 1-based): chr12:88,064,021, A>G on the plus strand (T>C on the coding strand, the complement: CEP290 is on the minus strand). VCF-style: chr12-88064021-A-G. GRCh37 (hg19) VCF-style: chr12-88457798-A-G.
Other names: short protein forms F2077S.
Identifiers: ClinVar variation 1314322 (VCV001314322.2), dbSNP rs2136813103, ClinGen allele CA385979630.

ClinVar aggregate classification (germline): Uncertain significance (1 of 4 stars; one submission).

Submission:

GeneDx
Classification: Uncertain significance. Last evaluated: 2021-04-13. Review status: criteria provided, single submitter. Criteria: GeneDx Variant Classification Process June 2021. Collection method: clinical testing. Allele origin: germline. Affected: yes.
Comment: Not observed in large population cohorts (Lek et al., 2016); In silico analysis supports that this missense variant has a deleterious effect on protein structure/function; Has not been previously published as pathogenic or benign to our knowledge